The following is an entry in ClinVar:

ClinVar aggregate classification (germline): Uncertain significance (1 of 4 stars; one submission).

Submission:

Labcorp Genetics (formerly Invitae), Labcorp
Classification: Uncertain significance. Last evaluated: 2025-01-27. Review status: criteria provided, single submitter. Criteria: Invitae Variant Classification Sherloc (09022015). Collection method: clinical testing. Allele origin: germline.
Comment: This sequence change replaces serine, which is neutral and polar, with proline, which is neutral and non-polar, at codon 207 of the CNGA1 protein (p.Ser207Pro). This variant is not present in population databases (gnomAD no frequency). This missense change has been observed in individual(s) with retinitis pigmentosa (internal data). ClinVar contains an entry for this variant (Variation ID: 1036013). Invitae Evidence Modeling of protein sequence and biophysical properties (such as structural, functional, and spatial information, amino acid conservation, physicochemical variation, residue mobility, and thermodynamic stability) indicates that this missense variant is expected to disrupt CNGA1 protein function with a positive predictive value of 80%. In summary, the available evidence is currently insufficient to determine the role of this variant in disease. Therefore, it has been classified as a Variant of Uncertain Significance.

NM_001379270.1(CNGA1):c.607T>C (p.Ser203Pro)

Genes: CNGA1 (cyclic nucleotide gated channel subunit alpha 1; minus strand), LOC101927157 (uncharacterized LOC101927157; plus strand). Cytogenetic location: 4p12.
Variant type: single nucleotide variant.
Coding change: c.607T>C on transcript NM_001379270.1 (MANE Select); coding-DNA position 607, T replaced by C.
Protein change: p.Ser203Pro; replaces serine 203 with proline.
Molecular consequence: missense variant.
Genome position (GRCh38, 1-based): chr4:47,940,808, A>G on the plus strand (T>C on the coding strand, the complement: CNGA1 is on the minus strand). VCF-style: chr4-47940808-A-G. GRCh37 (hg19) VCF-style: chr4-47942825-A-G.
Other names: c.607T>C, p.Ser203Pro (NM_000087.5, NM_001142564.2); short protein forms S203P.
Identifiers: ClinVar variation 1036013 (VCV001036013.8), dbSNP rs1739028112, ClinGen allele CA356830873.
Genomic context (GRCh38, chr4:47,940,808, plus strand): 5'-ACTGAACATATTTACCTGTCCTTGTTCGTACAAACATATCGATTAAATAGACTATGTCTG[A>G]TACGTAATCCAAAATGAGCCAATATTCTAGGTAATCAGATTGAAGTTCATCAAAACATGC-3'
Protein context (NP_001366199.1, residues 193-213): LEYWLILDYV[Ser203Pro]DIVYLIDMFV